The following is an entry in ClinVar:

ClinVar aggregate classification (germline): Uncertain significance. Review status: criteria provided, multiple submitters, no conflicts (2 of 4 stars). 3 submissions from 3 submitters: Uncertain significance (3). Last evaluated 2024-11-14.

Conditions:
Familial meningioma. Also called: Meningioma, familial, susceptibility to. Identifiers: Orphanet 263662, MedGen C3551915, MONDO:0011789, OMIM 607174.
Hereditary cancer-predisposing syndrome. Also called: Neoplastic Syndromes, Hereditary; Tumor predisposition; Hereditary Cancer Syndrome; Hereditary neoplastic syndrome. Identifiers: Orphanet 140162, MedGen C0027672, MeSH D009386, MONDO:0015356.

Submissions (3):

Ambry Genetics
Classification: Uncertain significance for Hereditary cancer-predisposing syndrome. Last evaluated: 2024-11-14. Review status: criteria provided, single submitter. Criteria: Ambry Variant Classification Scheme 2023. Collection method: clinical testing. Allele origin: germline.
Comment: The p.P45S variant (also known as c.133C>T), located in coding exon 3 of the SMARCE1 gene, results from a C to T substitution at nucleotide position 133. The proline at codon 45 is replaced by serine, an amino acid with similar properties. This amino acid position is not well conserved in available vertebrate species. In addition, this alteration is predicted to be tolerated by in silico analysis. Based on the available evidence, the clinical significance of this variant remains unclear.

Labcorp Genetics (formerly Invitae), Labcorp
Classification: Uncertain significance for Familial meningioma. Last evaluated: 2024-07-18. Review status: criteria provided, single submitter. Criteria: Invitae Variant Classification Sherloc (09022015). Collection method: clinical testing. Allele origin: germline.
Comment: This sequence change replaces proline, which is neutral and non-polar, with serine, which is neutral and polar, at codon 45 of the SMARCE1 protein (p.Pro45Ser). This variant is not present in population databases (gnomAD no frequency). This variant has not been reported in the literature in individuals affected with SMARCE1-related conditions. ClinVar contains an entry for this variant (Variation ID: 818980). An algorithm developed to predict the effect of missense changes on protein structure and function (PolyPhen-2) suggests that this variant is likely to be tolerated. In summary, the available evidence is currently insufficient to determine the role of this variant in disease. Therefore, it has been classified as a Variant of Uncertain Significance.

Blueprint Genetics
Classification: Uncertain significance. Last evaluated: 2024-04-10. Review status: criteria provided, single submitter. Criteria: ACMG Guidelines, 2015. Collection method: clinical testing. Allele origin: germline.

NM_003079.5(SMARCE1):c.133C>T (p.Pro45Ser)

Gene: SMARCE1 (SWI/SNF related BAF chromatin remodeling complex subunit E1; minus strand). Cytogenetic location: 17q21.2.
Variant type: single nucleotide variant.
Coding change: c.133C>T on transcript NM_003079.5 (MANE Select); coding-DNA position 133, C replaced by T.
Protein change: p.Pro45Ser; replaces proline 45 with serine.
Molecular consequence: missense variant.
Genome position (GRCh38, 1-based): chr17:40,642,478, G>A on the plus strand (C>T on the coding strand, the complement: SMARCE1 is on the minus strand). VCF-style: chr17-40642478-G-A. GRCh37 (hg19) VCF-style: chr17-38798730-G-A.
Other names: short protein forms P45S.
Identifiers: ClinVar variation 818980 (VCV000818980.16), dbSNP rs1597749741, ClinGen allele CA399369629.
Genomic context (GRCh38, chr17:40,642,478, plus strand): 5'-GTTGTTTGCCGGATGCTGTAATAGTTGATTCTCCTACCGTGACCCGGCTGTTGGTGCCCG[G>A]GTTCCCTCCCAGCCTGTAGTTGTTGTAGGCGAGATGACTGTATGGATTGTATCCCACAAA-3'
Protein context (NP_003070.3, residues 35-55): AYNNYRLGGN[Pro45Ser]GTNSRVTASS